The following is an entry in ClinVar:

NM_001034853.2(RPGR):c.2310GGA[1] (p.Glu772del)

Gene: RPGR (retinitis pigmentosa GTPase regulator; minus strand). Cytogenetic location: Xp11.4.
Variant type: Microsatellite.
Coding change: c.2310GGA[1] on transcript NM_001034853.2 (MANE Select); one copy of the 3-base unit GGA starting at c.2310; the reference has two copies in a row; one copy, 3 bases deleted.
Protein change: p.Glu772del; deletes glutamic acid 772.
Molecular consequence: inframe deletion. On other transcripts: intron variant (8).
Genome position (GRCh38, 1-based): chrX:38,286,684-38,286,686, TCC deleted on the plus strand (GGA on the coding strand, the reverse complement: RPGR is on the minus strand); deleting any 3 consecutive bases within chrX:38,286,684-38,286,690 gives the same sequence; the position shown is the placement nearest the transcript's 3' end. VCF-style (leftmost placement, unchanged base first): chrX-38286683-TTCC-T. GRCh37 (hg19) VCF-style: chrX-38145936-TTCC-T.
Other names: c.1569+4273_1569+4275del (NM_001367249.1, NM_001367250.1); c.1902+408_1902+410del (NM_001367245.1); c.1386+4273_1386+4275del (NM_001367251.1); c.1719+408_1719+410del (NM_001367246.1); c.1572+4273_1572+4275del (NM_001367247.1); c.1905+408_1905+410del (NM_000328.3); c.1602+4273_1602+4275del (NM_001367248.1); short protein forms E772del.
Identifiers: ClinVar variation 3019722 (VCV003019722.3), dbSNP rs1387045893, ClinGen allele CA640957311.

ClinVar aggregate classification (germline): Uncertain significance (1 of 4 stars; one submission).

Conditions:
Primary ciliary dyskinesia. Also called: Ciliary dyskinesia. Identifiers: Orphanet 244, MedGen C0008780, MONDO:0016575, HP:0012265.

Submission:

Labcorp Genetics (formerly Invitae), Labcorp
Classification: Uncertain significance for Primary ciliary dyskinesia. Last evaluated: 2023-09-11. Review status: criteria provided, single submitter. Criteria: Invitae Variant Classification Sherloc (09022015). Collection method: clinical testing. Allele origin: germline.
Comment: This variant, c.2313_2315del, results in the deletion of 1 amino acid(s) of the RPGR (ORF15) protein (p.Glu772del), but otherwise preserves the integrity of the reading frame. This variant is present in population databases (no rsID available, gnomAD 0.007%). In summary, the available evidence is currently insufficient to determine the role of this variant in disease. Therefore, it has been classified as a Variant of Uncertain Significance. Experimental studies and prediction algorithms are not available or were not evaluated, and the functional significance of this variant is currently unknown. This variant has not been reported in the literature in individuals affected with RPGR (ORF15)-related conditions.